The following is an entry in ClinVar:

NM_174916.3(UBR1):c.4757+1G>C

Gene: UBR1 (ubiquitin protein ligase E3 component n-recognin 1; minus strand). Cytogenetic location: 15q15.2.
Variant type: single nucleotide variant.
Coding change: c.4757+1G>C on transcript NM_174916.3 (MANE Select); the canonical splice donor site of the intron after coding-DNA position 4757, G replaced by C.
Molecular consequence: splice donor variant.
Genome position (GRCh38, 1-based): chr15:42,960,644, C>G on the plus strand (G>C on the coding strand, the complement: UBR1 is on the minus strand). VCF-style: chr15-42960644-C-G. GRCh37 (hg19) VCF-style: chr15-43252842-C-G.
Identifiers: ClinVar variation 2793464 (VCV002793464.3), dbSNP rs776967833, ClinGen allele CA392058383.
Genomic context (GRCh38, chr15:42,960,644, plus strand): 5'-CAACTACTTTAGGAAACACAACTTGTGGATGAGGGAGAAAGGATTAAGTAGTAAAACCAA[C>G]CTGACCACGGTGTTTTTTTGCTTCAAACAGTTTAGTAAGGCAGGATCTGCACACCACCTG-3'

ClinVar aggregate classification (germline): Likely pathogenic (1 of 4 stars; one submission).

Submission:

Labcorp Genetics (formerly Invitae), Labcorp
Classification: Likely pathogenic. Last evaluated: 2023-05-15. Review status: criteria provided, single submitter. Criteria: Invitae Variant Classification Sherloc (09022015). Collection method: clinical testing. Allele origin: germline.
Comment: This variant has not been reported in the literature in individuals affected with UBR1-related conditions. This variant is not present in population databases (gnomAD no frequency). This sequence change affects a donor splice site in intron 43 of the UBR1 gene. It is expected to disrupt RNA splicing. Variants that disrupt the donor or acceptor splice site typically lead to a loss of protein function (PMID: 16199547), and loss-of-function variants in UBR1 are known to be pathogenic (PMID: 24599544). Algorithms developed to predict the effect of sequence changes on RNA splicing suggest that this variant may disrupt the consensus splice site. In summary, the currently available evidence indicates that the variant is pathogenic, but additional data are needed to prove that conclusively. Therefore, this variant has been classified as Likely Pathogenic.

Literature cited by the submitters: PubMed 16199547; PubMed 24599544.